The following is an entry in ClinVar:

NM_001113378.2(FANCI):c.882+6A>G

Gene: FANCI (FA complementation group I; plus strand). Cytogenetic location: 15q26.1.
Variant type: single nucleotide variant.
Coding change: c.882+6A>G on transcript NM_001113378.2 (MANE Select); 6 bases into the intron after coding-DNA position 882, A replaced by G.
Molecular consequence: intron variant.
Genome position (GRCh38, 1-based): chr15:89,268,531, A>G. VCF-style: chr15-89268531-A-G. GRCh37 (hg19) VCF-style: chr15-89811762-A-G.
Other names: c.882+6A>G (NM_018193.3, NM_001376911.1); c.603+6A>G (NM_001376910.1).
Identifiers: ClinVar variation 2039701 (VCV002039701.3), dbSNP rs752304130, ClinGen allele CA7722791.

ClinVar aggregate classification (germline): Uncertain significance (1 of 4 stars; one submission).

Conditions:
Fanconi anemia (FA). Also called: Fanconi's anemia. Identifiers: Orphanet 84, MedGen C0015625, MeSH D005199, MONDO:0019391.

Allele frequency attached by ClinVar (database versions not stated): TOPMed below 0.00001; gnomAD 0.00002.
gnomAD v4.1: 58 of 1,614,032 alleles (0.0036%); highest among the groups gnomAD compares: South Asian, 0.041%; no homozygotes.

Submission:

Labcorp Genetics (formerly Invitae), Labcorp
Classification: Uncertain significance for Fanconi anemia. Last evaluated: 2026-01-26. Review status: criteria provided, single submitter. Criteria: Invitae Variant Classification Sherloc (09022015). Collection method: clinical testing. Allele origin: germline.
Comment: This sequence change falls in intron 10 of the FANCI gene. It does not directly change the encoded amino acid sequence of the FANCI protein. It affects a nucleotide within the consensus splice site. This variant is present in population databases (rs752304130, gnomAD 0.06%). This variant has not been reported in the literature in individuals affected with FANCI-related conditions. ClinVar contains an entry for this variant (Variation ID: 2039701). Variants that disrupt the consensus splice site are a relatively common cause of aberrant splicing (PMID: 17576681, 9536098). Algorithms developed to predict the effect of sequence changes on RNA splicing suggest that this variant is not likely to affect RNA splicing. In summary, the available evidence is currently insufficient to determine the role of this variant in disease. Therefore, it has been classified as a Variant of Uncertain Significance.

Literature cited by the submitters: PubMed 17576681; PubMed 9536098.